The following is an entry in ClinVar:

NM_019032.6(ADAMTSL4):c.1009G>A (p.Ala337Thr)

Genes: ADAMTSL4 (ADAMTS like 4; plus strand), ADAMTSL4-AS2 (ADAMTSL4 antisense RNA 2; minus strand). Cytogenetic location: 1q21.2.
Variant type: single nucleotide variant.
Coding change: c.1009G>A on transcript NM_019032.6 (MANE Select); coding-DNA position 1009, G replaced by A.
Protein change: p.Ala337Thr; replaces alanine 337 with threonine.
Molecular consequence: missense variant.
Genome position (GRCh38, 1-based): chr1:150,554,000, G>A. VCF-style: chr1-150554000-G-A. GRCh37 (hg19) VCF-style: chr1-150526476-G-A.
Other names: c.1009G>A, p.Ala337Thr (NM_001288607.2, NM_001288608.2, NM_001378596.1 and 1 more transcripts); c.1009G>A (NM_019032.5); short protein forms A337T.
Identifiers: ClinVar variation 292526 (VCV000292526.12), dbSNP rs374008923, ClinGen allele CA1078099.

ClinVar aggregate classification (germline): Uncertain significance. Review status: criteria provided, multiple submitters, no conflicts (2 of 4 stars). 7 submissions from 6 submitters: Uncertain significance (7). Last evaluated 2025-10-28.

Conditions:
Ectopia lentis 2, isolated, autosomal recessive (ECTOL2). Identifiers: Orphanet 1885, MedGen C3541474, MONDO:0009152, OMIM 225100.
Ectopia lentis et pupillae. Also called: ECTOPIA LENTIS WITH ECTOPIA OF PUPIL. Identifiers: Orphanet 1885, MedGen C1644196, MONDO:0009153, OMIM 225200.
Inborn genetic diseases. Identifiers: MedGen C0950123, MeSH D030342.

Allele frequency attached by ClinVar (database versions not stated): TOPMed 0.00012; ESP Exome Variant Server 0.00024; ExAC 0.00011; gnomAD 0.00011; gnomAD exomes 0.00011.
gnomAD v4.1: 374 of 1,611,720 alleles (0.023%); highest among the groups gnomAD compares: Middle Eastern, 0.066%; no homozygotes.

Submissions (7):

Ambry Genetics
Classification: Uncertain significance for Inborn genetic diseases. Last evaluated: 2025-10-28. Review status: criteria provided, single submitter. Criteria: Ambry Variant Classification Scheme 2023. Collection method: clinical testing. Allele origin: germline.

GeneDx
Classification: Uncertain significance. Last evaluated: 2024-12-10. Review status: criteria provided, single submitter. Criteria: GeneDx Variant Classification Process June 2021. Collection method: clinical testing. Allele origin: germline. Affected: yes.
Comment: In silico analysis indicates that this missense variant does not alter protein structure/function; Has not been previously published as pathogenic or benign to our knowledge

Genome-Nilou Lab
Classification: Uncertain significance for Ectopia lentis et pupillae. Last evaluated: 2023-04-11. Review status: criteria provided, single submitter. Criteria: ACMG Guidelines, 2015. Collection method: clinical testing. Allele origin: germline. Affected: no.

Genome-Nilou Lab
Classification: Uncertain significance for Ectopia lentis 2, isolated, autosomal recessive. Last evaluated: 2023-04-11. Review status: criteria provided, single submitter. Criteria: ACMG Guidelines, 2015. Collection method: clinical testing. Allele origin: germline. Affected: no.

Blueprint Genetics
Classification: Uncertain significance. Last evaluated: 2022-11-28. Review status: criteria provided, single submitter. Criteria: ACMG Guidelines, 2015. Collection method: clinical testing. Allele origin: germline.

Labcorp Genetics (formerly Invitae), Labcorp
Classification: Uncertain significance. Last evaluated: 2022-10-28. Review status: criteria provided, single submitter. Criteria: Invitae Variant Classification Sherloc (09022015). Collection method: clinical testing. Allele origin: germline.
Comment: This sequence change replaces alanine, which is neutral and non-polar, with threonine, which is neutral and polar, at codon 337 of the ADAMTSL4 protein (p.Ala337Thr). This variant is present in population databases (rs374008923, gnomAD 0.02%). This variant has not been reported in the literature in individuals affected with ADAMTSL4-related conditions. ClinVar contains an entry for this variant (Variation ID: 292526). Advanced modeling of protein sequence and biophysical properties (such as structural, functional, and spatial information, amino acid conservation, physicochemical variation, residue mobility, and thermodynamic stability) performed at Invitae indicates that this missense variant is not expected to disrupt ADAMTSL4 protein function. In summary, the available evidence is currently insufficient to determine the role of this variant in disease. Therefore, it has been classified as a Variant of Uncertain Significance.

Illumina Laboratory Services, Illumina
Classification: Uncertain significance for Ectopia lentis 2, isolated, autosomal recessive. Last evaluated: 2018-01-12. Review status: criteria provided, single submitter. Criteria: ICSL Variant Classification Criteria 13 December 2019. Collection method: clinical testing. Allele origin: germline.